The following is an entry in ClinVar:

NM_006269.2(RP1):c.1273T>C (p.Trp425Arg)

Gene: RP1 (RP1 axonemal microtubule associated; plus strand). Cytogenetic location: 8q12.1.
Variant type: single nucleotide variant.
Coding change: c.1273T>C on transcript NM_006269.2 (MANE Select); coding-DNA position 1273, T replaced by C.
Protein change: p.Trp425Arg; replaces tryptophan 425 with arginine.
Molecular consequence: missense variant. On other transcripts: intron variant (1).
Genome position (GRCh38, 1-based): chr8:54,625,155, T>C. VCF-style: chr8-54625155-T-C. GRCh37 (hg19) VCF-style: chr8-55537715-T-C.
Other names: c.787+2867T>C (NM_001375654.1); short protein forms W425R.
Identifiers: ClinVar variation 2010614 (VCV002010614.4), dbSNP rs2536568928, ClinGen allele CA370989786.

ClinVar aggregate classification (germline): Uncertain significance (1 of 4 stars; one submission).

Submission:

Labcorp Genetics (formerly Invitae), Labcorp
Classification: Uncertain significance. Last evaluated: 2022-06-25. Review status: criteria provided, single submitter. Criteria: Invitae Variant Classification Sherloc (09022015). Collection method: clinical testing. Allele origin: germline.
Comment: In summary, the available evidence is currently insufficient to determine the role of this variant in disease. Therefore, it has been classified as a Variant of Uncertain Significance. Algorithms developed to predict the effect of missense changes on protein structure and function output the following: SIFT: "Tolerated"; PolyPhen-2: "Benign"; Align-GVGD: "Class C0". The arginine amino acid residue is found in multiple mammalian species, which suggests that this missense change does not adversely affect protein function. This variant has not been reported in the literature in individuals affected with RP1-related conditions. This variant is not present in population databases (gnomAD no frequency). This sequence change replaces tryptophan, which is neutral and slightly polar, with arginine, which is basic and polar, at codon 425 of the RP1 protein (p.Trp425Arg).